The following is an entry in ClinVar:

NM_023036.6(DNAI2):c.70C>G (p.Gln24Glu)

Gene: DNAI2 (dynein axonemal intermediate chain 2; plus strand). Cytogenetic location: 17q25.1.
Variant type: single nucleotide variant.
Coding change: c.70C>G on transcript NM_023036.6 (MANE Select); coding-DNA position 70, C replaced by G.
Protein change: p.Gln24Glu; replaces glutamine 24 with glutamic acid.
Molecular consequence: missense variant. On other transcripts: non-coding transcript variant (1).
Genome position (GRCh38, 1-based): chr17:74,281,887, C>G. VCF-style: chr17-74281887-C-G. GRCh37 (hg19) VCF-style: chr17-72278026-C-G.
Other names: c.70C>G, p.Gln24Glu (NM_001172810.3, NM_001353167.2); short protein forms Q24E.
Identifiers: ClinVar variation 454941 (VCV000454941.2), dbSNP rs777662498, ClinGen allele CA400911890.

ClinVar aggregate classification (germline): Uncertain significance (1 of 4 stars; one submission).

Conditions:
Primary ciliary dyskinesia. Also called: Ciliary dyskinesia. Identifiers: Orphanet 244, MedGen C0008780, MONDO:0016575, HP:0012265.

gnomAD v4.1: 4 of 1,614,172 alleles (0.00025%); highest among the groups gnomAD compares: Non-Finnish European, 0.00025%; no homozygotes.

Submission:

Labcorp Genetics (formerly Invitae), Labcorp
Classification: Uncertain significance for Primary ciliary dyskinesia. Last evaluated: 2021-08-31. Review status: criteria provided, single submitter. Criteria: Invitae Variant Classification Sherloc (09022015). Collection method: clinical testing. Allele origin: germline.
Comment: This sequence change replaces glutamine with glutamic acid at codon 24 of the DNAI2 protein (p.Gln24Glu). The glutamine residue is moderately conserved and there is a small physicochemical difference between glutamine and glutamic acid. This variant is not present in population databases (ExAC no frequency). This variant has not been reported in the literature in individuals affected with DNAI2-related conditions. Algorithms developed to predict the effect of missense changes on protein structure and function (SIFT, PolyPhen-2, Align-GVGD) all suggest that this variant is likely to be tolerated. In summary, the available evidence is currently insufficient to determine the role of this variant in disease. Therefore, it has been classified as a Variant of Uncertain Significance.